The following is an entry in ClinVar:

ClinVar aggregate classification (germline): Likely benign (1 of 4 stars; one submission).

Conditions:
LRPAP1-related disorder. Also called: LRPAP1-related condition.

gnomAD v4.1: 445 of 1,592,244 alleles (0.028%); highest among the groups gnomAD compares: South Asian, 0.48%; 5 homozygotes.

Submission:

PreventionGenetics, part of Exact Sciences
Classification: Likely benign for LRPAP1-related condition. Last evaluated: 2026-06-28. Review status: criteria provided, single submitter. Criteria: ACMG Guidelines, 2015. Collection method: clinical testing. Allele origin: germline.
Comment: This variant is classified as likely benign based on ACMG/AMP sequence variant interpretation guidelines (Richards et al. 2015 PMID: 25741868, with internal and published modifications).

NM_002337.4(LRPAP1):c.71G>C (p.Gly24Ala)

Genes: LRPAP1 (LDL receptor related protein associated protein 1; minus strand), LOC129992120 (ATAC-STARR-seq lymphoblastoid active region 21225; plus strand). Cytogenetic location: 4p16.3.
Variant type: single nucleotide variant.
Coding change: c.71G>C on transcript NM_002337.4 (MANE Select); coding-DNA position 71, G replaced by C.
Protein change: p.Gly24Ala; replaces glycine 24 with alanine.
Molecular consequence: missense variant.
Genome position (GRCh38, 1-based): chr4:3,532,342, C>G on the plus strand (G>C on the coding strand, the complement: LRPAP1 is on the minus strand). VCF-style: chr4-3532342-C-G. GRCh37 (hg19) VCF-style: chr4-3534069-C-G.
Other names: short protein forms G24A.
Identifiers: ClinVar variation 4980668 (VCV004980668.1).